The following is an entry in ClinVar:

NM_001854.4(COL11A1):c.*9C>G

Gene: COL11A1 (collagen type XI alpha 1 chain; minus strand). Cytogenetic location: 1p21.1.
Variant type: single nucleotide variant.
Coding change: c.*9C>G on transcript NM_001854.4 (MANE Select); 9 bases downstream of the stop codon, C replaced by G.
Molecular consequence: 3 prime UTR variant. On other transcripts: non-coding transcript variant (1).
Genome position (GRCh38, 1-based): chr1:102,878,010, G>C on the plus strand (C>G on the coding strand, the complement: COL11A1 is on the minus strand). VCF-style: chr1-102878010-G-C. GRCh37 (hg19) VCF-style: chr1-103343566-G-C.
Other names: c.*9C>G (NM_001190709.2, NM_080629.3, NM_080630.4).
Identifiers: ClinVar variation 1196007 (VCV001196007.6), dbSNP rs371551881, ClinGen allele CA973237.

ClinVar aggregate classification (germline): Conflicting classifications of pathogenicity. Review status: criteria provided, conflicting classifications (1 of 4 stars). 2 submissions from 2 submitters: Uncertain significance (1); Likely benign (1). Last evaluated 2024-02-22.

Conditions:
Connective tissue disorder. Also called: Connective tissue disease. Identifiers: MedGen C0009782, MONDO:0003900.

Allele frequency attached by ClinVar (database versions not stated): ExAC 0.00004; gnomAD exomes 0.00004; TOPMed 0.00006; gnomAD 0.00007; ESP Exome Variant Server 0.00008.
gnomAD v4.1: 149 of 1,612,868 alleles (0.0092%); highest among the groups gnomAD compares: Non-Finnish European, 0.012%; no homozygotes.

Submissions (2):

GeneDx
Classification: Likely benign. Last evaluated: 2024-02-22. Review status: criteria provided, single submitter. Criteria: GeneDx Variant Classification Process June 2021. Collection method: clinical testing. Allele origin: germline. Affected: yes.
Comment: See Variant Classification Assertion Criteria.

Genome Diagnostics Laboratory, The Hospital for Sick Children
Classification: Uncertain significance for Connective tissue disorder. Last evaluated: 2020-02-01. Review status: criteria provided, single submitter. Criteria: ACMG Guidelines, 2015. Collection method: clinical testing. Allele origin: germline.